The following is an entry in ClinVar:

ClinVar aggregate classification (germline): Likely benign (1 of 4 stars; one submission).

Submission:

CeGaT Center for Human Genetics Tuebingen
Classification: Likely benign. Last evaluated: 2024-07-01. Review status: criteria provided, single submitter. Criteria: CeGaT Center For Human Genetics Tuebingen Variant Classification Criteria Version 2. Collection method: clinical testing. Allele origin: germline. Affected: yes. Observed: 2 variant alleles.
Comment: GCH1: PM2:Supporting, BP4, BP7

NM_000161.3(GCH1):c.342A>C (p.Ser114=)

Gene: GCH1 (GTP cyclohydrolase 1; minus strand). Cytogenetic location: 14q22.2.
Variant type: single nucleotide variant.
Coding change: c.342A>C on transcript NM_000161.3 (MANE Select); coding-DNA position 342, A replaced by C.
Protein change: p.Ser114=; no amino-acid change (serine 114 retained).
Molecular consequence: synonymous variant.
Genome position (GRCh38, 1-based): chr14:54,902,322, T>G on the plus strand (A>C on the coding strand, the complement: GCH1 is on the minus strand). VCF-style: chr14-54902322-T-G. GRCh37 (hg19) VCF-style: chr14-55369040-T-G.
Other names: c.342A>C, p.Ser114= (NM_001024024.2, NM_001024070.2, NM_001024071.2 and 1 more transcripts).
Identifiers: ClinVar variation 3025579 (VCV003025579.22), dbSNP rs2504538846, ClinGen allele CA486482405.
Genomic context (GRCh38, chr14:54,902,322, plus strand): 5'-TTTCCTGCAAGCACCGCCCCCGCCGCCCGCACGCTCTAGCAGCCCGCGGGCGCACTGACC[T>G]GAGATGGTCTCCTGGTAGCCCTTGGTGAAGAACTGCATGGCCGAGGCCGCCCTCCAGGGC-3'
Protein context (NP_000152.1, residues 104-124): FFTKGYQETI[Ser114=]DVLNDAIFDE